The following is an entry in ClinVar:

ClinVar aggregate classification (germline): Uncertain significance (1 of 4 stars; one submission).

Conditions:
Cranioectodermal dysplasia 1 (CED1). Also called: LEVIN SYNDROME I. Identifiers: Orphanet 1515, MedGen C0432235, MONDO:0021093, OMIM 218330.

Allele frequency attached by ClinVar (database versions not stated): gnomAD exomes below 0.00001.
gnomAD v4.1: 2 of 1,614,128 alleles (0.00012%); highest among the groups gnomAD compares: Non-Finnish European, 0.00017%; no homozygotes.

Submission:

Labcorp Genetics (formerly Invitae), Labcorp
Classification: Uncertain significance for Cranioectodermal dysplasia 1. Last evaluated: 2026-01-05. Review status: criteria provided, single submitter. Criteria: Invitae Variant Classification Sherloc (09022015). Collection method: clinical testing. Allele origin: germline.
Comment: This sequence change replaces isoleucine, which is neutral and non-polar, with valine, which is neutral and non-polar, at codon 324 of the IFT122 protein (p.Ile324Val). This variant is not present in population databases (gnomAD no frequency). This variant has not been reported in the literature in individuals affected with IFT122-related conditions. ClinVar contains an entry for this variant (Variation ID: 2171020). An algorithm developed to predict the effect of missense changes on protein structure and function outputs the following: PolyPhen-2: "Benign". The valine amino acid residue is found in multiple mammalian species, which suggests that this missense change does not adversely affect protein function. In summary, the available evidence is currently insufficient to determine the role of this variant in disease. Therefore, it has been classified as a Variant of Uncertain Significance.

NM_052989.3(IFT122):c.817A>G (p.Ile273Val)

Gene: IFT122 (intraflagellar transport 122; plus strand). Cytogenetic location: 3q21.3.
Variant type: single nucleotide variant.
Coding change: c.817A>G on transcript NM_052989.3 (MANE Select); coding-DNA position 817, A replaced by G.
Protein change: p.Ile273Val; replaces isoleucine 273 with valine.
Molecular consequence: missense variant.
Genome position (GRCh38, 1-based): chr3:129,476,315, A>G. VCF-style: chr3-129476315-A-G. GRCh37 (hg19) VCF-style: chr3-129195158-A-G.
Other names: c.793A>G, p.Ile265Val (NM_001280541.2); c.367A>G, p.Ile123Val (NM_001280545.2); c.190A>G, p.Ile64Val (NM_001280546.2); c.817A>G, p.Ile273Val (NM_001410808.1, NM_001410809.1); c.640A>G, p.Ile214Val (NM_001410810.1, NM_001410811.1, NM_001410813.1 and 1 more transcripts); c.484A>G, p.Ile162Val (NM_001410815.1, NM_001410817.1, NM_052990.3); c.970A>G, p.Ile324Val (NM_052985.4); short protein forms I265V, I324V, I123V, I273V, I64V, I162V, I214V.
Identifiers: ClinVar variation 2171020 (VCV002171020.4), dbSNP rs2531741679, ClinGen allele CA354472359.